The following is an entry in ClinVar:

ClinVar aggregate classification (germline): Pathogenic (1 of 4 stars; one submission).

Conditions:
Familial adenomatous polyposis 1 (FAP1). Also called: POLYPOSIS, ADENOMATOUS INTESTINAL; FAMILIAL ADENOMATOUS POLYPOSIS 1, ATTENUATED. Identifiers: MedGen C2713442, MONDO:0021056, OMIM 175100. Disease mechanism: loss of function.

Submission:

Labcorp Genetics (formerly Invitae), Labcorp
Classification: Pathogenic for Familial adenomatous polyposis 1. Last evaluated: 2023-09-21. Review status: criteria provided, single submitter. Criteria: Invitae Variant Classification Sherloc (09022015). Collection method: clinical testing. Allele origin: germline.
Comment: For these reasons, this variant has been classified as Pathogenic. A different truncation (p.Tyr2645Lysfs*14) that lies downstream of this variant has been determined to be pathogenic (PMID: 9824584, 1316610, 27081525, 8381579, 22135120, Invitae). This suggests that deletion of this region of the APC protein is causative of disease. This variant has not been reported in the literature in individuals affected with APC-related conditions. This variant is not present in population databases (gnomAD no frequency). This sequence change creates a premature translational stop signal (p.Lys1226Argfs*39) in the APC gene. While this is not anticipated to result in nonsense mediated decay, it is expected to disrupt the last 1618 amino acid(s) of the APC protein. This variant is expected to disrupt the EB1 and HDLG binding sites, which mediate interactions with the cytoskeleton (PMID: 15311282, 17293347). While functional studies have not been performed to directly test the effect on APC protein function, this suggests that disruption of the C-terminal portion of the protein is functionally important.

Literature cited by the submitters: PubMed 9824584; PubMed 1316610; PubMed 27081525; PubMed 8381579; PubMed 22135120; PubMed 15311282; PubMed 17293347.

NM_000038.6(APC):c.3675del (p.Lys1226fs)

Gene: APC (APC regulator of Wnt signaling pathway; plus strand). Cytogenetic location: 5q22.2.
Variant type: Deletion.
Coding change: c.3675del on transcript NM_000038.6 (MANE Select); coding-DNA position 3675, one base deleted (C; older notation c.3675delC).
Protein change: p.Lys1226fs; shifts the reading frame from lysine 1226.
Molecular consequence: frameshift variant. On other transcripts: non-coding transcript variant (2).
Genome position (GRCh38, 1-based): chr5:112,839,269, C deleted; the last of 2 consecutive C bases (chr5:112,839,268-112,839,269); deleting either gives the same sequence. VCF-style (leftmost placement, unchanged base first): chr5-112839267-GC-G. GRCh37 (hg19) VCF-style: chr5-112174964-GC-G.
Other names: c.3675del, p.Lys1226fs (NM_001127510.3, NM_001354895.2, NM_001407450.1); c.3621del, p.Lys1208fs (NM_001127511.3); c.3729del, p.Lys1244fs (NM_001354896.2, NM_001407447.1, NM_001407448.1 and 1 more transcripts); c.3705del, p.Lys1236fs (NM_001354897.2); c.3600del, p.Lys1201fs (NM_001354898.2); c.3591del, p.Lys1198fs (NM_001354899.2); c.3552del, p.Lys1185fs (NM_001354900.2); c.3498del, p.Lys1167fs (NM_001354901.2, NM_001407453.1); and 11 more; short protein forms K1066fs, K1100fs, K1135fs, K1143fs, K1226fs, K1201fs, K1216fs, K842fs.
Identifiers: ClinVar variation 2762403 (VCV002762403.3), dbSNP rs2533515894, ClinGen allele CA2697546401.
Genomic context (GRCh38, chr5:112,839,267, plus strand): 5'-AGCAGTAAAACCGAACATATGTCTTCAAGCAGTGAGAATACGTCCACACCTTCATCTAAT[GC>G]CAAGAGGCAGAATCAGCTCCATCCAAGTTCTGCACAGAGTAGAAGTGGTCAGCCTCAAAA-3'